The following continues an entry in ClinVar:

NM_000059.4(BRCA2):c.9253dup (p.Thr3085fs)

Gene: BRCA2. ClinVar aggregate classification (germline): Pathogenic. Pathogenic (1).

Submissions 10 to 25 of 36:

Center for Genomic Medicine, Rigshospitalet, Copenhagen University Hospital
Classification: Pathogenic. Last evaluated: 2025-03-04. Review status: criteria provided, single submitter. Criteria: ACMG Guidelines, 2015. Collection method: clinical testing. Allele origin: germline. Not counted in ClinVar's aggregate classification.

Ambry Genetics
Classification: Pathogenic for Hereditary cancer-predisposing syndrome. Last evaluated: 2024-08-14. Review status: criteria provided, single submitter. Criteria: Ambry Variant Classification Scheme 2023. Collection method: clinical testing. Allele origin: germline. Not counted in ClinVar's aggregate classification.
Comment: The c.9253dupA (p.T3085Nfs*26) alteration, located in exon 24 (coding exon 23) of the BRCA2 gene, consists of a duplication of A at position 9253, causing a translational frameshift with a predicted alternate stop codon after 26 amino acids. This alteration is expected to result in loss of function by premature protein truncation or nonsense-mediated mRNA decay. This alteration was flagged as a low confidence call in the Genome Aggregation Database (gnomAD). This alteration has been detected in multiple hereditary breast and ovarian cancer (HBOC) syndrome families (Bergthorsson, 2001; Meindl, 2002; Kim, 2012; Kang, 2015; Pal, 2015). Of note, this alteration is also designated as c.9253insA, c.9253_9254insA, and c.9474insA in published literature. Based on the available evidence, this alteration is classified as pathogenic.

Blueprint Genetics
Classification: Pathogenic for BRCA2-related disorders. Last evaluated: 2024-06-05. Review status: criteria provided, single submitter. Criteria: ACMG Guidelines, 2015. Collection method: clinical testing. Allele origin: germline. Affected: yes. Observed: 5 variant alleles. Not counted in ClinVar's aggregate classification.

Department of Clinical Genetics, Copenhagen University Hospital, Rigshospitalet
Classification: Pathogenic for Breast-ovarian cancer, familial, susceptibility to, 2. Last evaluated: 2024-05-27. Review status: criteria provided, single submitter. Criteria: ACMG Guidelines, 2015. Collection method: clinical testing. Allele origin: germline. Affected: yes. Not counted in ClinVar's aggregate classification.
Comment: PVS1; PM5_PTC_Strong

Fulgent Genetics
Classification: Pathogenic for Familial cancer of breast; Medulloblastoma; Familial prostate cancer; Wilms tumor 1; Fanconi anemia complementation group D1; Breast-ovarian cancer, familial, susceptibility to, 2; Glioma susceptibility 3; Pancreatic cancer, susceptibility to, 2. Last evaluated: 2024-05-21. Review status: criteria provided, single submitter. Criteria: ACMG Guidelines, 2015. Collection method: clinical testing. Allele origin: germline. Not counted in ClinVar's aggregate classification.

Color Diagnostics, LLC DBA Color Health
Classification: Pathogenic for Hereditary cancer-predisposing syndrome. Last evaluated: 2024-04-15. Review status: criteria provided, single submitter. Criteria: ACMG Guidelines, 2015. Collection method: clinical testing. Allele origin: germline. Not counted in ClinVar's aggregate classification.
Comment: This variant inserts 1 nucleotide in exon 24 of the BRCA2 gene, creating a frameshift and premature translation stop signal. This variant is also known as 9246_9247insA, 9474insA and 9481insA in the literature. This variant is expected to result in an absent or non-functional protein product. This variant has been reported in at least 10 individuals and families affected with breast and/or ovarian cancer (PMID: 11389159, 16683254, 20104584, 22798144, 25330149, 25863477, 26287763, 28008555, 30287823, 33471991; Leiden Open Variation Database DB-ID BRCA2_001724) and two individuals affected with prostate cancer (PMID: 23569316). This variant has been identified in 2/243602 chromosomes in the general population by the Genome Aggregation Database (gnomAD). Loss of BRCA2 function is a known mechanism of disease. Based on the available evidence, this variant is classified as Pathogenic.

Baylor Genetics
Classification: Pathogenic for Familial cancer of breast. Last evaluated: 2024-03-07. Review status: criteria provided, single submitter. Criteria: ACMG Guidelines, 2015. Collection method: clinical testing. Allele origin: unknown. Not counted in ClinVar's aggregate classification.

Revvity Omics, Revvity
Classification: Pathogenic. Last evaluated: 2024-03-01. Review status: criteria provided, single submitter. Criteria: ACMG Guidelines, 2015. Collection method: clinical testing. Allele origin: germline. Not counted in ClinVar's aggregate classification.

All of Us Research Program, National Institutes of Health
Classification: Pathogenic for BRCA2-related cancer predisposition. Last evaluated: 2024-02-28. Review status: criteria provided, single submitter. Criteria: ACMG Guidelines, 2015. Collection method: clinical testing. Allele origin: germline. Inheritance: Autosomal dominant inheritance. Observed: 2 variant alleles, 2 heterozygotes. Not counted in ClinVar's aggregate classification.
Comment: This variant inserts 1 nucleotide in exon 24 of the BRCA2 gene, creating a frameshift and premature translation stop signal. This variant is also known as 9246_9247insA, 9474insA and 9481insA in the literature. This variant is expected to result in an absent or non-functional protein product. This variant has been reported in at least 10 individuals and families affected with breast and/or ovarian cancer (PMID: 11389159, 16683254, 20104584, 22798144, 25330149, 25863477, 26287763, 28008555, 30287823, 33471991; Leiden Open Variation Database DB-ID BRCA2_001724) and two individuals affected with prostate cancer (PMID: 23569316). This variant has been identified in 2/243602 chromosomes in the general population by the Genome Aggregation Database (gnomAD). Loss of BRCA2 function is a known mechanism of disease. Based on the available evidence, this variant is classified as Pathogenic.

This study involves interpretation of variants in research participants for the purpose of population health screening. Participant phenotype was not available at the time of variant classification. Additional details can be found in publication PMID: 35346344, PMCID: PMC8962531

Women's Health and Genetics/Laboratory Corporation of America, LabCorp
Classification: Pathogenic for Hereditary breast and ovarian cancer syndrome. Last evaluated: 2020-09-14. Review status: criteria provided, single submitter. Criteria: LabCorp Variant Classification Summary - May 2015. Collection method: clinical testing. Allele origin: germline. Not counted in ClinVar's aggregate classification.
Comment: Variant summary: BRCA2 c.9253dupA (p.Thr3085AsnfsX26) results in a premature termination codon, predicted to cause a truncation of the encoded protein or absence of the protein due to nonsense mediated decay, which are commonly known mechanisms for disease. Truncations downstream of this position have been classified as pathogenic by our laboratory. The variant allele was found at a frequency of 4e-06 in 248942 control chromosomes. c.9253dupA has been reported in the literature in multiple individuals affected with Hereditary Breast And Ovarian Cancer Syndrome (example, Bergthorsson_2001, Inoue_1997, Kim_2012, Pal_2015, Rebbeck_2016). These data indicate that the variant is very likely to be associated with disease. At-least one trans heterozygous co-occurrence with another pathogenic variant has been reported (BRCA1 c.3226_3227AG (reported as NM_007294:c.3228_3229delAG), p.Gly1077fs) (Rebbeck_2016). Thirteen clinical diagnostic laboratories and one expert panel (ENIGMA) have submitted clinical-significance assessments for this variant to ClinVar after 2014 without evidence for independent evaluation. All submitters classified the variant as pathogenic. Based on the evidence outlined above, the variant was classified as pathogenic.

GeneDx
Classification: Pathogenic. Last evaluated: 2020-09-11. Review status: criteria provided, single submitter. Criteria: GeneDx Variant Classification Process June 2021. Collection method: clinical testing. Allele origin: germline. Affected: yes. Not counted in ClinVar's aggregate classification.
Comment: Frameshift variant predicted to result in protein truncation or nonsense mediated decay in a gene for which loss-of-function is a known mechanism of disease; Truncating variants in this gene are considered pathogenic by a well-established clinical consortium and/or database; Not observed at a significant frequency in large population cohorts (Lek 2016); Also known as 9481insA, 9481dupA, and 9474insA; This variant is associated with the following publications: (PMID: 22798144, 23034506, 16455195, 26287763, 21120943, 25330149, 30702160, 30322717, 32854451, 23569316, 11920643, 20104584, 19656164, 18824701, 11389159, 16683254, 21952622, 26681312, 25863477, 22720145, 28008555, 27836010, 28152038, 11802209, 7627958, 30972954, 29310832, 28724667, 29915322, 29339979, 30720243, 31396961, 29625052, 31447099, 32832836)

Human Genome Sequencing Center Clinical Lab, Baylor College of Medicine
Classification: Pathogenic for Breast-ovarian cancer, familial, susceptibility to, 2. Last evaluated: 2018-04-27. Review status: criteria provided, single submitter. Criteria: ACMG Guidelines, 2015. Collection method: clinical testing. Allele origin: germline. Not counted in ClinVar's aggregate classification.
Comment: The c.9246_9247dupA (p.Thr3085Asnfs*26) frameshift variant in BRCA2 has been reported in multiple unrelated patients with breast, ovarian or prostate cancer [PMID 11389159, 16455195, 16683254, 21952622,22798144, 25330149]. Based on the current evidence, this variant is classified as pathogenic

Department of Pathology and Molecular Medicine, Queen's University
Classification: Pathogenic for Hereditary breast ovarian cancer syndrome. Last evaluated: 2017-04-20. Review status: criteria provided, single submitter. Criteria: ACMG Guidelines, 2015. Collection method: clinical testing. Allele origin: germline. Study: The Canadian Open Genetics Repository (COGR). Not counted in ClinVar's aggregate classification.

Consortium of Investigators of Modifiers of BRCA1/2 (CIMBA), c/o University of Cambridge
Classification: Pathogenic for Breast-ovarian cancer, familial, susceptibility to, 2. Last evaluated: 2015-10-02. Review status: criteria provided, single submitter. Criteria: CIMBA Mutation Classification guidelines May 2016. Collection method: clinical testing. Allele origin: germline. Not counted in ClinVar's aggregate classification.

Clinical Genetics DNA and cytogenetics Diagnostics Lab, Erasmus MC, Erasmus Medical Center
Classification: Pathogenic for Breast-ovarian cancer, familial, susceptibility to, 2. Last evaluated: 2015-09-21. Review status: criteria provided, single submitter. Criteria: ACGS Guidelines, 2013. Collection method: clinical testing. Allele origin: germline. Affected: yes. Study: VKGL Data-share Consensus. Not counted in ClinVar's aggregate classification.

Department of Medical Genetics, Oslo University Hospital
Classification: Pathogenic for Breast-ovarian cancer, familial, susceptibility to, 2. Last evaluated: 2015-07-01. Review status: criteria provided, single submitter. Criteria: ACMG Guidelines, 2015. Collection method: clinical testing. Allele origin: germline. Affected: yes. Observed: 10 variant alleles. Not counted in ClinVar's aggregate classification.